The following is an entry in ClinVar:

ClinVar aggregate classification (germline): Uncertain significance (1 of 4 stars; one submission).

Conditions:
Isolated growth hormone deficiency, type 4. Also called: ISOLATED GROWTH HORMONE DEFICIENCY, TYPE IV; DWARFISM OF SINDH. Identifiers: Orphanet 684247, MedGen C4722273, MONDO:0032567, OMIM 618157.

gnomAD v4.1: 24 of 1,611,270 alleles (0.0015%); highest among the groups gnomAD compares: East Asian, 0.051%; no homozygotes.

Submission:

Juno Genomics, Hangzhou Juno Genomics, Inc
Classification: Uncertain significance for Isolated growth hormone deficiency, type 4. Review status: criteria provided, single submitter. Criteria: ACMG Guidelines, 2015. Collection method: clinical testing. Allele origin: germline.
Comment: Absent from controls (or at extremely low frequency if recessive) in Genome Aggregation Database.;Multiple lines of computational evidence support a deleterious effect on the gene or gene product.

NM_000823.4(GHRHR):c.597+34G>C

Gene: GHRHR (growth hormone releasing hormone receptor; plus strand). Cytogenetic location: 7p14.3.
Variant type: single nucleotide variant.
Coding change: c.597+34G>C on transcript NM_000823.4 (MANE Select); 34 bases into the intron after coding-DNA position 597, G replaced by C.
Molecular consequence: intron variant.
Genome position (GRCh38, 1-based): chr7:30,972,129, G>C. VCF-style: chr7-30972129-G-C. GRCh37 (hg19) VCF-style: chr7-31011744-G-C.
Identifiers: ClinVar variation 5018613 (VCV005018613.2).
Genomic context (GRCh38, chr7:30,972,129, plus strand): 5'-GACACTGACCACTGCAGCTTCTCCACTGTAATGGCCATGGGTGAAGGGGCTGGGCAGGTG[G>C]GGGAGAGAGGAGGTAGGATTACAGACCCAGATGTGCCTGCGTCAGGCTTCCCTGCCCTGT-3'